The following is an entry in ClinVar:

NM_001042492.3(NF1):c.4435T>C (p.Phe1479Leu)

Gene: NF1 (neurofibromin 1; plus strand). Cytogenetic location: 17q11.2.
Variant type: single nucleotide variant.
Coding change: c.4435T>C on transcript NM_001042492.3 (MANE Select); coding-DNA position 4435, T replaced by C.
Protein change: p.Phe1479Leu; replaces phenylalanine 1479 with leucine.
Molecular consequence: missense variant.
Genome position (GRCh38, 1-based): chr17:31,260,373, T>C. VCF-style: chr17-31260373-T-C. GRCh37 (hg19) VCF-style: chr17-29587391-T-C.
Other names: c.4372T>C, p.Phe1458Leu (NM_000267.4); short protein forms F1458L, F1479L.
Identifiers: ClinVar variation 2452254 (VCV002452254.2), dbSNP rs2508420469, ClinGen allele CA398999144.

ClinVar aggregate classification (germline): Uncertain significance (1 of 4 stars; one submission).

Conditions:
Hereditary cancer-predisposing syndrome. Also called: Neoplastic Syndromes, Hereditary; Tumor predisposition; Hereditary neoplastic syndrome; Hereditary Cancer Syndrome. Identifiers: Orphanet 140162, MedGen C0027672, MeSH D009386, MONDO:0015356.
Cardiovascular phenotype. Identifiers: MedGen CN230736.

Submission:

Ambry Genetics
Classification: Uncertain significance for Cardiovascular phenotype; Hereditary cancer-predisposing syndrome. Last evaluated: 2023-01-01. Review status: criteria provided, single submitter. Criteria: Ambry Variant Classification Scheme 2023. Collection method: clinical testing. Allele origin: germline.
Comment: The p.F1458L variant (also known as c.4372T>C), located in coding exon 33 of the NF1 gene, results from a T to C substitution at nucleotide position 4372. The phenylalanine at codon 1458 is replaced by leucine, an amino acid with highly similar properties. This amino acid position is conserved. In addition, this alteration is predicted to be deleterious by in silico analysis. Since supporting evidence is limited at this time, the clinical significance of this alteration remains unclear.